The following is an entry in ClinVar:

ClinVar aggregate classification (germline): Uncertain significance (1 of 4 stars; one submission).

Conditions:
Hermansky-Pudlak syndrome 2 (HPS2). Also called: Platelet defects and oculocutaneous albinism. Identifiers: Orphanet 183678, Orphanet 79430, MedGen C1842362, MONDO:0011997, OMIM 608233.

gnomAD v4.1: 17 of 1,614,024 alleles (0.0011%); highest among the groups gnomAD compares: East Asian, 0.036%; no homozygotes.

Submission:

Labcorp Genetics (formerly Invitae), Labcorp
Classification: Uncertain significance for Hermansky-Pudlak syndrome 2. Last evaluated: 2026-01-24. Review status: criteria provided, single submitter. Criteria: Invitae Variant Classification Sherloc (09022015). Collection method: clinical testing. Allele origin: germline.
Comment: This sequence change replaces threonine, which is neutral and polar, with alanine, which is neutral and non-polar, at codon 868 of the AP3B1 protein (p.Thr868Ala). This variant is not present in population databases (gnomAD no frequency). This variant has not been reported in the literature in individuals affected with AP3B1-related conditions. ClinVar contains an entry for this variant (Variation ID: 3616355). An algorithm developed to predict the effect of missense changes on protein structure and function (PolyPhen-2) suggests that this variant is likely to be tolerated. In summary, the available evidence is currently insufficient to determine the role of this variant in disease. Therefore, it has been classified as a Variant of Uncertain Significance.

NM_003664.5(AP3B1):c.2602A>G (p.Thr868Ala)

Gene: AP3B1 (adaptor related protein complex 3 subunit beta 1; minus strand). Cytogenetic location: 5q14.1.
Variant type: single nucleotide variant.
Coding change: c.2602A>G on transcript NM_003664.5 (MANE Select); coding-DNA position 2602, A replaced by G.
Protein change: p.Thr868Ala; replaces threonine 868 with alanine.
Molecular consequence: missense variant.
Genome position (GRCh38, 1-based): chr5:78,039,250, T>C on the plus strand (A>G on the coding strand, the complement: AP3B1 is on the minus strand). VCF-style: chr5-78039250-T-C. GRCh37 (hg19) VCF-style: chr5-77335074-T-C.
Other names: c.2455A>G, p.Thr819Ala (NM_001271769.2); short protein forms T819A, T868A.
Identifiers: ClinVar variation 3616355 (VCV003616355.2).